The following is an entry in ClinVar:

ClinVar aggregate classification (germline): Uncertain significance. Review status: criteria provided, multiple submitters, no conflicts (2 of 4 stars). 3 submissions from 3 submitters: Uncertain significance (2). 1 of the submissions does not count toward it. Last evaluated 2023-04-27.

Conditions:
Niemann-Pick disease, type B. Also called: Chronic Visceral ASMD (Niemann-Pick Disease Type B; NPD-B). Identifiers: Orphanet 77293, MedGen C0268243, MONDO:0011871, OMIM 607616. Disease mechanism: loss of function.
Niemann-Pick disease, type A. Also called: Infantile Neurovisceral ASMD (Niemann-Pick Disease Type A; NPD-A); SPHINGOMYELIN LIPIDOSIS; SPHINGOMYELINASE DEFICIENCY. Identifiers: Orphanet 77292, MedGen C0268242, MONDO:0009756, OMIM 257200. Disease mechanism: loss of function.
SMPD1-related disorder. Also called: SMPD1-related condition.

Submissions (3):

Mayo Clinic Laboratories, Mayo Clinic
Classification: Uncertain significance. Last evaluated: 2023-04-27. Review status: criteria provided, single submitter. Criteria: ACMG Guidelines, 2015. Collection method: clinical testing. Allele origin: germline. Observed: 1 variant allele.

Labcorp Genetics (formerly Invitae), Labcorp
Classification: Uncertain significance for Niemann-Pick disease, type B; Niemann-Pick disease, type A. Last evaluated: 2022-04-18. Review status: criteria provided, single submitter. Criteria: Invitae Variant Classification Sherloc (09022015). Collection method: clinical testing. Allele origin: germline.
Comment: This variant, c.107_136dup, results in the insertion of 10 amino acid(s) of the SMPD1 protein (p.Val36_Leu45dup), but otherwise preserves the integrity of the reading frame. This variant is present in population databases (no rsID available, gnomAD 0.1%). This variant has not been reported in the literature in individuals affected with SMPD1-related conditions. In summary, the available evidence is currently insufficient to determine the role of this variant in disease. Therefore, it has been classified as a Variant of Uncertain Significance.

PreventionGenetics, part of Exact Sciences
Classification: Uncertain significance for SMPD1-related condition. Last evaluated: 2024-04-17. Review status: no assertion criteria provided. Collection method: clinical testing. Allele origin: germline. Not counted in ClinVar's aggregate classification.
Comment: The SMPD1 c.107_136dup30 variant is predicted to result in an in-frame duplication (p.Val36_Leu45dup). To our knowledge, this variant has not been reported in the literature. This variant is reported in 0.13% of alleles in individuals of African descent in gnomAD. Although we suspect that this variant may be benign, at this time, the clinical significance of this variant is uncertain due to the absence of conclusive functional and genetic evidence.

NM_000543.5(SMPD1):c.107_136dup (p.Leu45_Ala46insValLeuAlaLeuAlaLeuAlaLeuAlaLeu)

Gene: SMPD1 (sphingomyelin phosphodiesterase 1; plus strand). Cytogenetic location: 11p15.4.
Variant type: Duplication.
Coding change: c.107_136dup on transcript NM_000543.5 (MANE Select); coding-DNA positions 107 to 136, 30 bases duplicated (TGCTGGCGCTGGCGCTGGCGCTGGCGCTGG).
Protein change: p.Leu45_Ala46insValLeuAlaLeuAlaLeuAlaLeuAlaLeu.
Molecular consequence: inframe insertion. On other transcripts: 5 prime UTR variant (1), non-coding transcript variant (2).
Genome position (GRCh38, 1-based): chr11:6,390,705-6,390,734, TGCTGGCGCTGGCGCTGGCGCTGGCGCTGG duplicated; duplicating any 30 consecutive bases within chr11:6,390,701-6,390,734 gives the same sequence; the c. name uses the placement nearest the transcript's 3' end. VCF-style (leftmost placement, unchanged base first): chr11-6390700-C-CCTGGTGCTGGCGCTGGCGCTGGCGCTGGCG. GRCh37 (hg19) VCF-style: chr11-6411930-C-CCTGGTGCTGGCGCTGGCGCTGGCGCTGGCG.
Other names: p.Val36_Leu45dup; c.107_136dup, p.Leu45_Ala46insValLeuAlaLeuAlaLeuAlaLeuAlaLeu (NM_001007593.3, NM_001318087.2, NM_001365135.2); c.-855_-826dup (NM_001318088.2); c.107_136dup30 (NM_000543.4).
Identifiers: ClinVar variation 2047190 (VCV002047190.3), dbSNP rs1554933798, ClinGen allele CA5852477.
Genomic context (GRCh38, chr11:6,390,700, plus strand): 5'-GTCCGGCCGGGAGCAGGGACAAGACGGGACCGCCGGAGCCCCCGGACTCCTTTGGATGGG[C>CCTGGTGCTGGCGCTGGCGCTGGCGCTGGCG]CTGGTGCTGGCGCTGGCGCTGGCGCTGGCGCTGGCGCTGGCTCTGTCTGACTCTCGGGTT-3'